The following is an entry in ClinVar:

NM_000540.3(RYR1):c.14291G>A (p.Gly4764Glu)

Gene: RYR1 (ryanodine receptor 1; plus strand). Cytogenetic location: 19q13.2.
Variant type: single nucleotide variant.
Coding change: c.14291G>A on transcript NM_000540.3 (MANE Select); coding-DNA position 14291, G replaced by A.
Protein change: p.Gly4764Glu; replaces glycine 4764 with glutamic acid.
Molecular consequence: missense variant.
Genome position (GRCh38, 1-based): chr19:38,578,036, G>A. VCF-style: chr19-38578036-G-A. GRCh37 (hg19) VCF-style: chr19-39068676-G-A.
Other names: c.14276G>A, p.Gly4759Glu (NM_001042723.2); short protein forms G4764E, G4759E.
Identifiers: ClinVar variation 931756 (VCV000931756.6), dbSNP rs1974036074, ClinGen allele CA405684827.

ClinVar aggregate classification (germline): Uncertain significance. Review status: criteria provided, multiple submitters, no conflicts (2 of 4 stars). 2 submissions from 2 submitters: Uncertain significance (2). Last evaluated 2022-10-14.

Conditions:
Congenital myopathy with fiber type disproportion. Also called: Congenital fiber-type disproportion myopathy; Congenital fiber-type disproportion. Identifiers: Orphanet 2020, MedGen C0546264, MONDO:0009711. Inheritance: all.

Submissions (2):

Revvity Omics, Revvity
Classification: Uncertain significance. Last evaluated: 2022-10-14. Review status: criteria provided, single submitter. Criteria: ACMG Guidelines, 2015. Collection method: clinical testing. Allele origin: germline.

Centre for Mendelian Genomics, University Medical Centre Ljubljana
Classification: Uncertain significance for Congenital myopathy 4A, autosomal dominant. Last evaluated: 2020-03-13. Review status: criteria provided, single submitter. Criteria: ACMG Guidelines, 2015. Collection method: clinical testing. Allele origin: unknown. Affected: yes.
Comment: This variant was classified as: Uncertain significance. The available evidence on this variant's pathogenicity is insufficient or conflicting. The following ACMG criteria were applied in classifying this variant: PM2,PP3,BS2.